The following is an entry in ClinVar:

ClinVar aggregate classification (germline): Uncertain significance (1 of 4 stars; one submission).

Conditions:
Nemaline myopathy 2 (NEM2). Also called: Nemaline myopathy 2, autosomal recessive. Identifiers: MedGen C1850569, MONDO:0009725, OMIM 256030.

Allele frequency attached by ClinVar (database versions not stated): gnomAD exomes below 0.00001.
gnomAD v4.1: 1 of 1,613,944 alleles (0.000062%); highest among the groups gnomAD compares: Non-Finnish European, 0.000085%; no homozygotes.

Submission:

Labcorp Genetics (formerly Invitae), Labcorp
Classification: Uncertain significance for Nemaline myopathy 2. Last evaluated: 2022-08-10. Review status: criteria provided, single submitter. Criteria: Invitae Variant Classification Sherloc (09022015). Collection method: clinical testing. Allele origin: germline.
Comment: In summary, the available evidence is currently insufficient to determine the role of this variant in disease. Therefore, it has been classified as a Variant of Uncertain Significance. Algorithms developed to predict the effect of missense changes on protein structure and function are either unavailable or do not agree on the potential impact of this missense change (SIFT: "Deleterious"; PolyPhen-2: "Not Available"; Align-GVGD: "Class C0"). ClinVar contains an entry for this variant (Variation ID: 1511092). This variant has not been reported in the literature in individuals affected with NEB-related conditions. This variant is present in population databases (no rsID available, gnomAD 0.0009%). This sequence change replaces valine, which is neutral and non-polar, with leucine, which is neutral and non-polar, at codon 8344 of the NEB protein (p.Val8344Leu).

NM_001164508.2(NEB):c.24925G>C (p.Val8309Leu)

Genes: RIF1 (replication timing regulatory factor 1; plus strand), NEB (nebulin; minus strand). Cytogenetic location: 2q23.3.
Variant type: single nucleotide variant.
Coding change: c.24925G>C on transcript NM_001164508.2 (MANE Select); coding-DNA position 24925, G replaced by C.
Protein change: p.Val8309Leu; replaces valine 8309 with leucine.
Molecular consequence: missense variant.
Genome position (GRCh38, 1-based): chr2:151,492,230, C>G on the plus strand (G>C on the coding strand, the complement: NEB is on the minus strand). VCF-style: chr2-151492230-C-G. GRCh37 (hg19) VCF-style: chr2-152348744-C-G.
Other names: c.24925G>C, p.Val8309Leu (NM_001164507.2); c.25030G>C, p.Val8344Leu (NM_001271208.2); c.19357G>C, p.Val6453Leu (NM_004543.5); short protein forms V8309L, V8344L, V6453L.
Identifiers: ClinVar variation 1511092 (VCV001511092.8), dbSNP rs1401528056, ClinGen allele CA348773807.